The following is an entry in ClinVar:

ClinVar aggregate classification (germline): Uncertain significance (1 of 4 stars; one submission).

Conditions:
Stormorken syndrome (STRMK). Also called: THROMBOCYTOPATHY, ASPLENIA, AND MIOSIS. Identifiers: Orphanet 3204, MedGen C1861451, MONDO:0008497, OMIM 185070.
Myopathy with tubular aggregates (TAM). Also called: Tubular Aggregate Myopathy. Identifiers: Orphanet 2593, MedGen C0410207, MONDO:0008051.
Combined immunodeficiency due to STIM1 deficiency. Also called: STIM1 DEFICIENCY; IMMUNODEFICIENCY 10. Identifiers: Orphanet 169090, Orphanet 317430, MedGen C2748557, MONDO:0013008, OMIM 612783.

Submission:

Labcorp Genetics (formerly Invitae), Labcorp
Classification: Uncertain significance for Myopathy with tubular aggregates; Combined immunodeficiency due to STIM1 deficiency; Stormorken syndrome. Last evaluated: 2024-06-13. Review status: criteria provided, single submitter. Criteria: Invitae Variant Classification Sherloc (09022015). Collection method: clinical testing. Allele origin: germline.
Comment: This sequence change replaces glutamic acid, which is acidic and polar, with glutamine, which is neutral and polar, at codon 59 of the STIM1 protein (p.Glu59Gln). This variant is not present in population databases (gnomAD no frequency). This variant has not been reported in the literature in individuals affected with STIM1-related conditions. Advanced modeling of protein sequence and biophysical properties (such as structural, functional, and spatial information, amino acid conservation, physicochemical variation, residue mobility, and thermodynamic stability) has been performed at Invitae for this missense variant, however the output from this modeling did not meet the statistical confidence thresholds required to predict the impact of this variant on STIM1 protein function. In summary, the available evidence is currently insufficient to determine the role of this variant in disease. Therefore, it has been classified as a Variant of Uncertain Significance.

NM_001382567.1(STIM1):c.175G>C (p.Glu59Gln)

Gene: STIM1 (stromal interaction molecule 1; plus strand). Cytogenetic location: 11p15.4.
Variant type: single nucleotide variant.
Coding change: c.175G>C on transcript NM_001382567.1 (MANE Select); coding-DNA position 175, G replaced by C.
Protein change: p.Glu59Gln; replaces glutamic acid 59 with glutamine.
Molecular consequence: missense variant. On other transcripts: 5 prime UTR variant (8), non-coding transcript variant (3), intron variant (4).
Genome position (GRCh38, 1-based): chr11:3,967,587, G>C. VCF-style: chr11-3967587-G-C. GRCh37 (hg19) VCF-style: chr11-3988817-G-C.
Other names: c.175G>C, p.Glu59Gln (NM_001277961.3, NM_001277962.2, NM_001382568.1 and 3 more transcripts); c.-48G>C (NM_001382566.1, NM_001382573.1, NM_001382574.1 and 5 more transcripts); c.-219-56286G>C (NM_001382580.1, NM_001382581.1); c.136-56286G>C (NM_001382569.1); c.-98-56286G>C (NM_001382571.1); short protein forms E59Q.
Identifiers: ClinVar variation 3748800 (VCV003748800.2).